The following is an entry in ClinVar:

ClinVar aggregate classification (germline): Uncertain significance. Review status: criteria provided, single submitter (1 of 4 stars). 3 submissions from 3 submitters: Uncertain significance (1). 2 of the submissions do not count toward it. Last evaluated 2022-05-04.

Conditions:
Congenital myasthenic syndrome 5. Identifiers: Orphanet 590, MedGen C1864233, MONDO:0011281, OMIM 603034.

Allele frequency attached by ClinVar (database versions not stated): gnomAD 0.00001; gnomAD exomes 0.00001 and 0.00002; TOPMed 0.00001.
gnomAD v4.1: 13 of 1,614,086 alleles (0.00081%); highest among the groups gnomAD compares: South Asian, 0.0033%; no homozygotes.

Submissions (3):

Labcorp Genetics (formerly Invitae), Labcorp
Classification: Uncertain significance for Congenital myasthenic syndrome 5. Last evaluated: 2022-05-04. Review status: criteria provided, single submitter. Criteria: Invitae Variant Classification Sherloc (09022015). Collection method: clinical testing. Allele origin: germline.
Comment: This sequence change replaces threonine, which is neutral and polar, with methionine, which is neutral and non-polar, at codon 449 of the COLQ protein (p.Thr449Met). This variant is present in population databases (no rsID available, gnomAD 0.003%). This variant has not been reported in the literature in individuals affected with COLQ-related conditions. ClinVar contains an entry for this variant (Variation ID: 1175121). Algorithms developed to predict the effect of missense changes on protein structure and function are either unavailable or do not agree on the potential impact of this missense change (SIFT: "Deleterious"; PolyPhen-2: "Not Available"; Align-GVGD: "Class C0"). In summary, the available evidence is currently insufficient to determine the role of this variant in disease. Therefore, it has been classified as a Variant of Uncertain Significance.

Diagnostic Laboratory, Department of Genetics, University Medical Center Groningen
Classification: Uncertain significance. Review status: no assertion criteria provided. Collection method: clinical testing. Allele origin: germline. Affected: yes. Study: VKGL Data-share Consensus. Not counted in ClinVar's aggregate classification.

Laboratory of Diagnostic Genome Analysis, Leiden University Medical Center (LUMC)
Classification: Uncertain significance. Review status: no assertion criteria provided. Collection method: clinical testing. Allele origin: germline. Affected: yes. Study: VKGL Data-share Consensus. Not counted in ClinVar's aggregate classification.

NM_005677.4(COLQ):c.1346C>T (p.Thr449Met)

Gene: COLQ (collagen like tail subunit of asymmetric acetylcholinesterase; minus strand). Cytogenetic location: 3p25.1.
Variant type: single nucleotide variant.
Coding change: c.1346C>T on transcript NM_005677.4 (MANE Select); coding-DNA position 1346, C replaced by T.
Protein change: p.Thr449Met; replaces threonine 449 with methionine.
Molecular consequence: missense variant.
Genome position (GRCh38, 1-based): chr3:15,451,666, G>A on the plus strand (C>T on the coding strand, the complement: COLQ is on the minus strand). VCF-style: chr3-15451666-G-A. GRCh37 (hg19) VCF-style: chr3-15493173-G-A.
Other names: c.1316C>T, p.Thr439Met (NM_080538.2); c.1244C>T, p.Thr415Met (NM_080539.4); short protein forms T415M, T439M, T449M.
Identifiers: ClinVar variation 1175121 (VCV001175121.6), dbSNP rs1015425548, ClinGen allele CA70599371.